The following is an entry in ClinVar:

NM_001903.5(CTNNA1):c.458A>G (p.Gln153Arg)

Gene: CTNNA1 (catenin alpha 1; plus strand). Cytogenetic location: 5q31.2.
Variant type: single nucleotide variant.
Coding change: c.458A>G on transcript NM_001903.5 (MANE Select); coding-DNA position 458, A replaced by G.
Protein change: p.Gln153Arg; replaces glutamine 153 with arginine.
Molecular consequence: missense variant.
Genome position (GRCh38, 1-based): chr5:138,810,194, A>G. VCF-style: chr5-138810194-A-G. GRCh37 (hg19) VCF-style: chr5-138145883-A-G.
Other names: c.458A>G, p.Gln153Arg (NM_001290307.3, NM_001323982.2, NM_001323983.1 and 3 more transcripts); c.149A>G, p.Gln50Arg (NM_001290309.3); c.89A>G, p.Gln30Arg (NM_001290310.3); short protein forms Q50R, Q30R, Q153R.
Identifiers: ClinVar variation 4235635 (VCV004235635.1).

ClinVar aggregate classification (germline): Uncertain significance (1 of 4 stars; one submission).

Conditions:
Hereditary cancer-predisposing syndrome. Also called: Hereditary Cancer Syndrome; Hereditary neoplastic syndrome; Neoplastic Syndromes, Hereditary; Tumor predisposition. Identifiers: Orphanet 140162, MedGen C0027672, MeSH D009386, MONDO:0015356.

gnomAD v4.1: 2 of 1,613,980 alleles (0.00012%); highest among the groups gnomAD compares: Non-Finnish European, 0.00017%; no homozygotes.

Submission:

Ambry Genetics
Classification: Uncertain significance for Hereditary cancer-predisposing syndrome. Last evaluated: 2025-07-12. Review status: criteria provided, single submitter. Criteria: Ambry Variant Classification Scheme 2023. Collection method: clinical testing. Allele origin: germline.
Comment: The p.Q153R variant (also known as c.458A>G), located in coding exon 3 of the CTNNA1 gene, results from an A to G substitution at nucleotide position 458. The glutamine at codon 153 is replaced by arginine, an amino acid with highly similar properties. This amino acid position is conserved. In addition, the in silico prediction for this alteration is inconclusive. Based on the available evidence, the clinical significance of this variant remains unclear.